The following is an entry in ClinVar:

ClinVar aggregate classification (germline): Pathogenic (1 of 4 stars; one submission).

Submission:

Quest Diagnostics Nichols Institute San Juan Capistrano
Classification: Pathogenic. Last evaluated: 2025-06-25. Review status: criteria provided, single submitter. Criteria: ACMG/ClinGen CNV Guidelines, 2019. Collection method: clinical testing. Allele origin: unknown.
Comment: This copy number gain extends from low copy number repeats (LCRs) A to B and is associated with 22q11.2 duplication syndrome (ISCA-37433; OMIM 608363; Bartik 2022, Firth 2013). Duplications of this region have been identified in individuals with a broad range of features. However, features are highly variable, even within families, and a proportion of these duplications are inherited from an unaffected parent, suggesting incomplete penetrance. There are no similar copy number gains spanning this region in the general populations of the Database of Genomic Variants. Thus, this copy number variant (CNV) is best described as a susceptibility locus with variable phenotypic expressivity and incomplete penetrance and is classified as pathogenic. References: Bartik et al., Am J Med Genet A. 2022 Mar;188(3):779-787.PMID: 34845825 Firth et al., GeneReviews [updated 2013 Nov 21].PMID: 20301749

GRCh37/hg19 22q11.21(chr22:18916842-20311858)x3

Genes: ARVCF (ARVCF delta catenin family member; minus strand), C22orf39 (chromosome 22 open reading frame 39; minus strand), CDC45 (cell division cycle 45; plus strand), CLDN5 (claudin 5; minus strand), CLTCL1 (clathrin heavy chain like 1; minus strand) and 23 more. Cytogenetic location: 22q11.21.
Variant type: copy number gain.
Change: copy number 3 (three copies instead of two) of chr22:18,916,842-20,311,858 (1.40 Mb, GRCh37 coordinates, 1-based), cytogenetic band 22q11.21.
Identifiers: ClinVar variation 565021 (VCV000565021.4).